The following is an entry in ClinVar:

ClinVar aggregate classification (germline): Uncertain significance (1 of 4 stars; one submission).

gnomAD v4.1: 1 of 1,614,098 alleles (0.000062%); highest among the groups gnomAD compares: Non-Finnish European, 0.000085%; no homozygotes.

Submission:

GeneDx
Classification: Uncertain significance. Last evaluated: 2025-12-01. Review status: criteria provided, single submitter. Criteria: GeneDx Variant Classification Process June 2021. Collection method: clinical testing. Allele origin: germline.
Comment: Not observed at significant frequency in large population cohorts (gnomAD); In silico analysis indicates that this missense variant does not alter protein structure/function; Has not been previously published as pathogenic or benign to our knowledge

NM_021224.6(ZNF462):c.6922A>T (p.Thr2308Ser)

Genes: ZNF462 (zinc finger protein 462; plus strand), LOC340512 (uncharacterized LOC340512; minus strand). Cytogenetic location: 9q31.2.
Variant type: single nucleotide variant.
Coding change: c.6922A>T on transcript NM_021224.6 (MANE Select); coding-DNA position 6922, A replaced by T.
Protein change: p.Thr2308Ser; replaces threonine 2308 with serine.
Molecular consequence: missense variant.
Genome position (GRCh38, 1-based): chr9:106,984,275, A>T. VCF-style: chr9-106984275-A-T. GRCh37 (hg19) VCF-style: chr9-109746556-A-T.
Other names: c.4327A>T, p.Thr1443Ser (NM_001347997.2); short protein forms T1443S, T2308S.
Identifiers: ClinVar variation 4077346 (VCV004077346.2).